The following is an entry in ClinVar:

NM_022051.3(EGLN1):c.954T>A (p.Asn318Lys)

Gene: EGLN1 (egl-9 family hypoxia inducible factor 1; minus strand). Cytogenetic location: 1q42.2.
Variant type: single nucleotide variant.
Coding change: c.954T>A on transcript NM_022051.3 (MANE Select); coding-DNA position 954, T replaced by A.
Protein change: p.Asn318Lys; replaces asparagine 318 with lysine.
Molecular consequence: missense variant.
Genome position (GRCh38, 1-based): chr1:231,374,037, A>T on the plus strand (T>A on the coding strand, the complement: EGLN1 is on the minus strand). VCF-style: chr1-231374037-A-T. GRCh37 (hg19) VCF-style: chr1-231509783-A-T.
Other names: c.954T>A, p.Asn318Lys (NM_001377260.1, NM_001377261.1); short protein forms N318K.
Identifiers: ClinVar variation 4685977 (VCV004685977.1).

ClinVar aggregate classification (germline): Uncertain significance (1 of 4 stars; one submission).

Submission:

ARUP Laboratories, Molecular Genetics and Genomics, ARUP Laboratories
Classification: Uncertain significance. Last evaluated: 2025-07-24. Review status: criteria provided, single submitter. Criteria: ARUP Molecular Germline Variant Investigation Process 2024. Collection method: clinical testing. Allele origin: germline.
Comment: The EGLN1 c.954T>A; p.Asn318Lys variant, to our knowledge, is not reported in the medical literature or gene specific databases. This variant is also absent from the Genome Aggregation Database (v2.1.1), indicating it is not a common polymorphism. Computational analyses are uncertain whether this variant is neutral or deleterious (REVEL: 0.255). Due to limited information, the clinical significance of this variant is uncertain at this time.